The following is an entry in ClinVar:

NM_207037.2(TCF12):c.1642_1645del (p.Glu548fs)

Gene: TCF12 (transcription factor 12; plus strand). Cytogenetic location: 15q21.3.
Variant type: Deletion.
Coding change: c.1642_1645del on transcript NM_207037.2 (MANE Select); coding-DNA positions 1642 to 1645, 4 bases deleted (GAAA; older notation c.1642_1645delGAAA).
Protein change: p.Glu548fs; shifts the reading frame from glutamic acid 548.
Molecular consequence: frameshift variant.
Genome position (GRCh38, 1-based): chr15:57,263,171-57,263,174, GAAA deleted; deleting any 4 consecutive bases within chr15:57,263,168-57,263,174 gives the same sequence; the c. name uses the placement nearest the transcript's 3' end. VCF-style (leftmost placement, unchanged base first): chr15-57263167-CAAAG-C. GRCh37 (hg19) VCF-style: chr15-57555365-CAAAG-C.
Other names: c.1132_1135del, p.Glu378fs (NM_001306219.3); c.862_865del, p.Glu288fs (NM_001306220.3); c.1642_1645del, p.Glu548fs (NM_001322151.2, NM_001322152.2, NM_001322159.3 and 2 more transcripts); c.985_988del, p.Glu329fs (NM_001322154.2); c.1468_1471del, p.Glu490fs (NM_001322156.2); c.1570_1573del, p.Glu524fs (NM_001322157.3, NM_001322165.2, NM_003205.4 and 1 more transcripts); c.1396_1399del, p.Glu466fs (NM_001322158.2); c.1639_1642del, p.Glu547fs (NM_001322161.2); and 4 more; short protein forms E354fs, E466fs, E548fs, E288fs, E329fs, E536fs, E378fs, E547fs.
Identifiers: ClinVar variation 436958 (VCV000436958.23), dbSNP rs1555412971, ClinGen allele CA645373010.

ClinVar aggregate classification (germline): Pathogenic. Review status: criteria provided, multiple submitters, no conflicts (2 of 4 stars). 9 submissions from 9 submitters: Pathogenic (9). Last evaluated 2025-03-30.

Conditions:
TCF12-related craniosynostosis. Also called: Craniosynostosis 3. Identifiers: Orphanet 35098, Orphanet 35099, Orphanet 672979, MedGen C3715051, MONDO:0014128, OMIM 615314.
TCF12-related disorder. Also called: TCF12-related condition.
Autism spectrum disorder. Also called: Autism spectrum disorders. Identifiers: MedGen C1510586, MeSH D000067877, MONDO:0005258.

Submissions (9):

PreventionGenetics, part of Exact Sciences
Classification: Pathogenic for TCF12-related condition. Last evaluated: 2025-03-30. Review status: criteria provided, single submitter. Criteria: ACMG Guidelines, 2015. Collection method: clinical testing. Allele origin: germline.
Comment: The TCF12 c.1642_1645delGAAA variant is predicted to result in a frameshift and premature protein termination (p.Glu548Argfs*14). This variant has been reported in patients with craniosynostosis (see for example Sharma et al. 2013. PubMed ID: 23354436; Timberlake et al. 2017. PubMed ID: 28808027). This variant has not been reported in a large population database (gnomAD), indicating this variant is rare. Frameshift variants in TCF12 are expected to be pathogenic. This variant is interpreted as pathogenic.

GeneDx
Classification: Pathogenic. Last evaluated: 2025-03-05. Review status: criteria provided, single submitter. Criteria: GeneDx Variant Classification Process June 2021. Collection method: clinical testing. Allele origin: germline. Affected: yes.
Comment: Frameshift variant predicted to result in protein truncation or nonsense mediated decay in a gene for which loss of function is a known mechanism of disease; Not observed at significant frequency in large population cohorts (gnomAD); This variant is associated with the following publications: (PMID: 28808027, 32620954, 29215649, 23354436, 30038786, 38259611, 33904513)

Victorian Clinical Genetics Services, Murdoch Childrens Research Institute
Classification: Pathogenic for TCF12-related craniosynostosis. Last evaluated: 2024-10-30. Review status: criteria provided, single submitter. Criteria: ACMG Guidelines, 2015. Collection method: clinical testing. Allele origin: germline. Affected: no.
Comment: This variant is classified as Pathogenic. Evidence in support of pathogenic classification: Variant is predicted to cause nonsense-mediated decay (NMD) and loss of protein (premature termination codon is located at least 54 nucleotides upstream of the final exon-exon junction); Variant is present in gnomAD <0.001 for a dominant condition (v4: 4 heterozygote(s), 0 homozygote(s)); This variant has strong previous evidence of pathogenicity in unrelated individuals. This variant has been classified as pathogenic by multiple clinical laboratories in ClinVar, and reported in the literature in an individual with unicoronal craniosynostosis (PMID: 29215649); Other NMD-predicted variants comparable to the one identified in this case have very strong previous evidence for pathogenicity. Many NMD-predicted variants have been classified as pathogenic or likely pathogenic by clinical laboratories in ClinVar; Additional information: This variant is heterozygous; This gene is associated with autosomal dominant disease. However, a rare instance of autosomal recessive inheritance has also been reported for hypogonadotropic hypogonadism 26 with or without anosmia (MIM#619718) (PMID: 32620954); Loss of function is a known mechanism of disease in this gene and is associated with craniosynostosis 3 (MIM#615314) and hypogonadotropic hypogonadism 26 with or without anosmia (MIM#619718); The condition associated with this gene has incomplete penetrance (PMID: 32620954).

Labcorp Genetics (formerly Invitae), Labcorp
Classification: Pathogenic. Last evaluated: 2024-01-31. Review status: criteria provided, single submitter. Criteria: Invitae Variant Classification Sherloc (09022015). Collection method: clinical testing. Allele origin: germline.
Comment: This sequence change creates a premature translational stop signal (p.Glu548Argfs*14) in the TCF12 gene. It is expected to result in an absent or disrupted protein product. Loss-of-function variants in TCF12 are known to be pathogenic (PMID: 23354436, 32620954). This variant is not present in population databases (gnomAD no frequency). This premature translational stop signal has been observed in individual(s) with craniosynostosis (PMID: 23354436, 28808027, 29215649, 30038786). This variant is also known as K287fs. ClinVar contains an entry for this variant (Variation ID: 436958). For these reasons, this variant has been classified as Pathogenic.

3billion
Classification: Pathogenic for TCF12-related craniosynostosis. Last evaluated: 2023-10-27. Review status: criteria provided, single submitter. Criteria: ACMG Guidelines, 2015. Collection method: clinical testing. Allele origin: germline. Affected: yes.
Comment: The variant is not observed in the gnomAD v2.1.1 dataset. Predicted Consequence/Location: Frameshift: predicted to result in a loss or disruption of normal protein function through nonsense-mediated decay (NMD) or protein truncation. Multiple pathogenic variants are reported downstream of the variant. The variant has been reported at least twice as pathogenic with clinical assertions and evidence for the classification (ClinVar ID: VCV000436958 /PMID: 23354436 /3billion dataset). Therefore, this variant is classified as Pathogenic according to the recommendation of ACMG/AMP guideline.

Genetics Laboratory, UDIAT-Centre Diagnòstic, Hospital Universitari Parc Tauli
Classification: Pathogenic for autism spectrum disorder. Last evaluated: 2023-01-18. Review status: criteria provided, single submitter. Criteria: ACMG Guidelines, 2015. Collection method: clinical testing. Allele origin: unknown. Inheritance: Autosomal dominant inheritance. Affected: yes.
Comment: PVS1_very strong;PS4_supporting;PM2_supporting;PM6_moderate

Institute of Human Genetics, Heidelberg University
Classification: Pathogenic for TCF12-related craniosynostosis. Last evaluated: 2022-01-10. Review status: criteria provided, single submitter. Criteria: ACMG Guidelines, 2015. Collection method: clinical testing. Allele origin: de novo. Affected: yes.

Genetic Services Laboratory, University of Chicago
Classification: Pathogenic for Craniosynostosis 3. Last evaluated: 2015-10-14. Review status: criteria provided, single submitter. Criteria: ACMG Guidelines, 2015. Collection method: clinical testing. Allele origin: germline. Affected: yes.

Clinical Genetics Service, Universitary Hospital 12 de Octubre
Classification: Pathogenic for TCF12-related craniosynostosis. Review status: criteria provided, single submitter. Criteria: ACMG Guidelines, 2015. Collection method: clinical testing. Allele origin: maternal. Affected: yes.

Literature cited by the submitters: PubMed 32620954 (cited by Victorian Clinical Genetics Services, Murdoch Childrens Research Institute and Labcorp Genetics (formerly Invitae), Labcorp); PubMed 29215649 (cited by Victorian Clinical Genetics Services, Murdoch Childrens Research Institute and Labcorp Genetics (formerly Invitae), Labcorp); PubMed 23354436 (cited by Labcorp Genetics (formerly Invitae), Labcorp and 3billion); PubMed 28808027 (cited by Labcorp Genetics (formerly Invitae), Labcorp); PubMed 30038786 (cited by Labcorp Genetics (formerly Invitae), Labcorp).